The following is an entry in ClinVar:

NM_004364.5(CEBPA):c.968G>T (p.Arg323Leu)

Gene: CEBPA (CCAAT enhancer binding protein alpha; minus strand). Cytogenetic location: 19q13.11.
Variant type: single nucleotide variant.
Coding change: c.968G>T on transcript NM_004364.5 (MANE Select); coding-DNA position 968, G replaced by T.
Protein change: p.Arg323Leu; replaces arginine 323 with leucine.
Molecular consequence: missense variant.
Genome position (GRCh38, 1-based): chr19:33,301,447, C>A on the plus strand (G>T on the coding strand, the complement: CEBPA is on the minus strand). VCF-style: chr19-33301447-C-A. GRCh37 (hg19) VCF-style: chr19-33792353-C-A.
Other names: c.611G>T, p.Arg204Leu (NM_001285829.2); c.1073G>T, p.Arg358Leu (NM_001287424.2); c.926G>T, p.Arg309Leu (NM_001287435.2); c.968G>T (NM_004364.3); short protein forms R204L, R309L, R323L, R358L.
Identifiers: ClinVar variation 1017039 (VCV001017039.8), dbSNP rs1421674520, ClinGen allele CA405273809.

ClinVar aggregate classification (germline): Uncertain significance. Review status: criteria provided, multiple submitters, no conflicts (2 of 4 stars). 2 submissions from 2 submitters: Uncertain significance (2). Last evaluated 2025-08-22.

Conditions:
Acute myeloid leukemia (AML). Also called: Acute myeloid leukemia, adult; AML adult; Acute non-lymphocytic leukemia; Acute granulocytic leukemia; Leukemia, acute myelogenous, somatic; Leukemia, acute myeloid, somatic. Identifiers: Orphanet 519, MedGen C0023467, MeSH D015470, MONDO:0018874, OMIM 601626, HP:0004808. Disease mechanism: Constitutively activated FLT3.
Inborn genetic diseases. Identifiers: MedGen C0950123, MeSH D030342.

Allele frequency attached by ClinVar (database versions not stated): gnomAD exomes below 0.00001; TOPMed below 0.00001.

Submissions (2):

Ambry Genetics
Classification: Uncertain significance for Inborn genetic diseases. Last evaluated: 2025-08-22. Review status: criteria provided, single submitter. Criteria: Ambry Variant Classification Scheme 2023. Collection method: clinical testing. Allele origin: germline.
Comment: The p.R323L variant (also known as c.968G>T), located in coding exon 1 of the CEBPA gene, results from a G to T substitution at nucleotide position 968. The arginine at codon 323 is replaced by leucine, an amino acid with dissimilar properties. This amino acid position is conserved. In addition, this alteration is predicted to be tolerated by in silico analysis. Based on the available evidence, the clinical significance of this variant remains unclear.

Labcorp Genetics (formerly Invitae), Labcorp
Classification: Uncertain significance for Acute myeloid leukemia. Last evaluated: 2021-10-23. Review status: criteria provided, single submitter. Criteria: Invitae Variant Classification Sherloc (09022015). Collection method: clinical testing. Allele origin: germline.
Comment: This sequence change replaces arginine with leucine at codon 323 of the CEBPA protein (p.Arg323Leu). The arginine residue is moderately conserved and there is a moderate physicochemical difference between arginine and leucine. This variant is not present in population databases (ExAC no frequency). This variant has not been reported in the literature in individuals affected with CEBPA-related conditions. Algorithms developed to predict the effect of missense changes on protein structure and function are either unavailable or do not agree on the potential impact of this missense change (SIFT: "Tolerated"; PolyPhen-2: "Possibly Damaging"; Align-GVGD: "Class C0"). In summary, the available evidence is currently insufficient to determine the role of this variant in disease. Therefore, it has been classified as a Variant of Uncertain Significance.